The following is an entry in ClinVar:

ClinVar aggregate classification (germline): Uncertain significance (1 of 4 stars; one submission).

Submission:

Labcorp Genetics (formerly Invitae), Labcorp
Classification: Uncertain significance. Last evaluated: 2025-02-17. Review status: criteria provided, single submitter. Criteria: Invitae Variant Classification Sherloc (09022015). Collection method: clinical testing. Allele origin: germline.
Comment: This sequence change falls in intron 33 of the ANKRD26 gene. It does not directly change the encoded amino acid sequence of the ANKRD26 protein. This variant is present in population databases (rs763309803, gnomAD 0.007%). This variant has not been reported in the literature in individuals affected with ANKRD26-related conditions. Algorithms developed to predict the effect of sequence changes on RNA splicing suggest that this variant may disrupt the consensus splice site. In summary, the available evidence is currently insufficient to determine the role of this variant in disease. Therefore, it has been classified as a Variant of Uncertain Significance.

NM_014915.3(ANKRD26):c.5000-14_5000-11del

Gene: ANKRD26 (ankyrin repeat domain 26; minus strand). Cytogenetic location: 10p12.1.
Variant type: Microsatellite.
Coding change: c.5000-14_5000-11del on transcript NM_014915.3 (MANE Select); 14 bases into the intron before coding-DNA position 5000 through 11 bases into the intron before coding-DNA position 5000, 4 bases deleted (CTTT; older notation c.5000-14_5000-11delCTTT).
Molecular consequence: intron variant.
Genome position (GRCh38, 1-based): chr10:27,005,734-27,005,737, AAAG deleted on the plus strand (CTTT on the coding strand, the reverse complement: ANKRD26 is on the minus strand); deleting any 4 consecutive bases within chr10:27,005,734-27,005,743 gives the same sequence; the c. name uses the placement nearest the transcript's 3' end. VCF-style (leftmost placement, unchanged base first): chr10-27005733-AAAAG-A. GRCh37 (hg19) VCF-style: chr10-27294662-AAAAG-A.
Other names: c.4997-14_4997-11del (NM_001256053.2).
Identifiers: ClinVar variation 4691198 (VCV004691198.1).
Genomic context (GRCh38, chr10:27,005,733, plus strand): 5'-CAGTAGACCCTAGAGGGGAAGCTATTGATCCAGATTCCAATTCAGCAGCAGCTAGAATGA[AAAAG>A]AAAGAATTATATTCCTTACCTAAAAGATTTCATAGTTAACTAAGTGGAAGTCAGTAAAAG-3'